The following is an entry in ClinVar:

NM_005247.4(FGF3):c.146A>G (p.Tyr49Cys)

Genes: FGF3 (fibroblast growth factor 3; minus strand), LOC109115964 (FGF3 5' regulatory region; plus strand). Cytogenetic location: 11q13.3.
Variant type: single nucleotide variant.
Coding change: c.146A>G on transcript NM_005247.4 (MANE Select); coding-DNA position 146, A replaced by G.
Protein change: p.Tyr49Cys; replaces tyrosine 49 with cysteine.
Molecular consequence: missense variant.
Genome position (GRCh38, 1-based): chr11:69,818,788, T>C on the plus strand (A>G on the coding strand, the complement: FGF3 is on the minus strand). VCF-style: chr11-69818788-T-C. GRCh37 (hg19) VCF-style: chr11-69633556-T-C.
Other names: short protein forms Y49C.
Identifiers: ClinVar variation 29816 (VCV000029816.11), dbSNP rs281860300, ClinGen allele CA342711.
Genomic context (GRCh38, chr11:69,818,788, plus strand): 5'-TCCAGGCTGCCGTTGACGCGGCCGCTCGGGTGCAGCTGGAGGTGGTACTTCGTGGCGCAG[T>C]AGAGCTTGCGGCGCCGGGGCGCCCCGCCAAGGTGCTCGTAGACGCCGCCACGGCCGCCCG-3'
Protein context (NP_005238.1, residues 39-59): LGGAPRRRKL[Tyr49Cys]CATKYHLQLH

ClinVar aggregate classification (germline): Uncertain significance. Review status: criteria provided, single submitter (1 of 4 stars). 3 submissions from 3 submitters: Uncertain significance (1). 2 of the submissions do not count toward it. Last evaluated 2021-03-13.

Conditions:
Deafness with labyrinthine aplasia, microtia, and microdontia. Also called: Congenital Deafness with Inner Ear Agenesis, Microtia, and Microdontia; DEAFNESS WITH LAMM; DEAFNESS, CONGENITAL, WITH LABYRINTHINE APLASIA, MICROTIA, AND MICRODONTIA. Identifiers: Orphanet 90024, MedGen C1853144, MONDO:0012541, OMIM 610706.

Allele frequency attached by ClinVar (database versions not stated): gnomAD exomes below 0.00001; gnomAD 0.00001.
gnomAD v4.1: 6 of 1,495,158 alleles (0.0004%); highest among the groups gnomAD compares: African/African-American, 0.0015%; no homozygotes.

Submissions (3):

Labcorp Genetics (formerly Invitae), Labcorp
Classification: Uncertain significance. Last evaluated: 2021-03-13. Review status: criteria provided, single submitter. Criteria: Invitae Variant Classification Sherloc (09022015). Collection method: clinical testing. Allele origin: germline.
Comment: In summary, the available evidence is currently insufficient to determine the role of this variant in disease. Therefore, it has been classified as a Variant of Uncertain Significance. Algorithms developed to predict the effect of missense changes on protein structure and function are either unavailable or do not agree on the potential impact of this missense change (SIFT: "Deleterious"; PolyPhen-2: "Probably Damaging"; Align-GVGD: "Class C0"). This variant has been observed in individual(s) with clinical features of LAMM syndrome (PMID: 21480479). In at least one individual the data is consistent with the variant being in trans (on the opposite chromosome) from a pathogenic variant. ClinVar contains an entry for this variant (Variation ID: 29816). The frequency data for this variant in the population databases is considered unreliable, as metrics indicate insufficient coverage at this position in the ExAC database. This sequence change replaces tyrosine with cysteine at codon 49 of the FGF3 protein (p.Tyr49Cys). The tyrosine residue is moderately conserved and there is a large physicochemical difference between tyrosine and cysteine.

OMIM
Classification: Pathogenic for DEAFNESS, CONGENITAL, WITH INNER EAR AGENESIS, MICROTIA, AND MICRODONTIA. Last evaluated: 2011-05-01. Review status: no assertion criteria provided. Collection method: literature only. Allele origin: germline. Not counted in ClinVar's aggregate classification.

GeneReviews
No classification provided. Condition: Deafness with labyrinthine aplasia, microtia, and microdontia. Review status: no classification provided. Collection method: literature only. Allele origin: unknown. Not counted in ClinVar's aggregate classification.

Literature cited by the submitters: PubMed 21480479 (cited by Labcorp Genetics (formerly Invitae), Labcorp and OMIM); PubMed 22993869 (cited by GeneReviews); NCBI Bookshelf NBK100664 (cited by GeneReviews).